The following is an entry in ClinVar:

NM_000083.3(CLCN1):c.774G>A (p.Glu258=)

Gene: CLCN1 (chloride voltage-gated channel 1; plus strand). Cytogenetic location: 7q34.
Variant type: single nucleotide variant.
Coding change: c.774G>A on transcript NM_000083.3 (MANE Select); coding-DNA position 774, G replaced by A.
Protein change: p.Glu258=; no amino-acid change (glutamic acid 258 retained).
Molecular consequence: synonymous variant. On other transcripts: non-coding transcript variant (1).
Genome position (GRCh38, 1-based): chr7:143,323,386, G>A. VCF-style: chr7-143323386-G-A. GRCh37 (hg19) VCF-style: chr7-143020479-G-A.
Identifiers: ClinVar variation 636302 (VCV000636302.38), dbSNP rs770605959, ClinGen allele CA4537074.

ClinVar aggregate classification (germline): Pathogenic/Likely pathogenic. Review status: criteria provided, multiple submitters, no conflicts (2 of 4 stars). 6 submissions from 6 submitters: Pathogenic (3); Likely pathogenic (3). Last evaluated 2025-09-02.

Conditions:
Congenital myotonia, autosomal dominant form (THD). Also called: THOMSEN DISEASE; Myotonia congenita autosomal dominant. Identifiers: Orphanet 614, MedGen C2936781, MONDO:0008055, OMIM 160800.
Congenital myotonia, autosomal recessive form. Also called: BECKER DISEASE; Becker Generalized Myotonia; myotonia congenita, autosomal recessive. Identifiers: Orphanet 614, MedGen C0751360, MONDO:0009715, OMIM 255700.
Abnormality of the musculature. Identifiers: MedGen C4021745, HP:0003011.

Allele frequency attached by ClinVar (database versions not stated): ExAC 0.00001; gnomAD exomes 0.00001 and below 0.00001; TOPMed below 0.00001.
gnomAD v4.1: 6 of 1,609,828 alleles (0.00037%); highest among the groups gnomAD compares: Non-Finnish European, 0.00051%; no homozygotes.

Submissions (6):

Labcorp Genetics (formerly Invitae), Labcorp
Classification: Pathogenic for Congenital myotonia, autosomal recessive form; Congenital myotonia, autosomal dominant form. Last evaluated: 2025-09-02. Review status: criteria provided, single submitter. Criteria: Invitae Variant Classification Sherloc (09022015). Collection method: clinical testing. Allele origin: germline.
Comment: This sequence change affects codon 258 of the CLCN1 mRNA. It is a 'silent' change, meaning that it does not change the encoded amino acid sequence of the CLCN1 protein. This variant also falls at the last nucleotide of exon 6, which is part of the consensus splice site for this exon. This variant is present in population databases (rs770605959, gnomAD 0.0009%). This variant has been observed in individuals with autosomal recessive myotonia congenita (PMID: 28427807; internal data). This variant is also known as c.861G>A. ClinVar contains an entry for this variant (Variation ID: 636302). Variants that disrupt the consensus splice site are a relatively common cause of aberrant splicing (PMID: 17576681, 9536098). Algorithms developed to predict the effect of sequence changes on RNA splicing suggest that this variant may disrupt the consensus splice site. For these reasons, this variant has been classified as Pathogenic.

Women's Health and Genetics/Laboratory Corporation of America, LabCorp
Classification: Pathogenic for Congenital myotonia, autosomal recessive form. Last evaluated: 2024-05-02. Review status: criteria provided, single submitter. Criteria: LabCorp Variant Classification Summary - May 2015. Collection method: clinical testing. Allele origin: germline.
Comment: Variant summary: CLCN1 c.774G>A (p.Glu258Glu) alters a conserved nucleotide located close to a canonical splice site and therefore could affect mRNA splicing, leading to a significantly altered protein sequence. Several computational tools predict a significant impact on normal splicing: Four predict the variant weakens a canonical 5' donor site. However, these predictions have yet to be confirmed by functional studies. The variant allele was found at a frequency of 8e-06 in 251430 control chromosomes (gnomAD). c.774G>A has been reported in the literature in multiple individuals affected with Myotonia congenita (e.g. Ferradini_2017, Stunnenberg_2018). These data indicate that the variant is very likely to be associated with disease. The following publications have been ascertained in the context of this evaluation (PMID: 28427807, 29606556). ClinVar contains an entry for this variant (Variation ID: 636302). Based on the evidence outlined above, the variant was classified as pathogenic.

Fulgent Genetics
Classification: Likely pathogenic for Congenital myotonia, autosomal dominant form; Congenital myotonia, autosomal recessive form. Last evaluated: 2024-04-29. Review status: criteria provided, single submitter. Criteria: ACMG Guidelines, 2015. Collection method: clinical testing. Allele origin: germline.

Laboratory of Medical Genetics, National & Kapodistrian University of Athens
Classification: Likely pathogenic for Congenital myotonia, autosomal recessive form. Last evaluated: 2024-02-20. Review status: criteria provided, single submitter. Criteria: ACMG Guidelines, 2015. Collection method: clinical testing. Allele origin: germline. Affected: yes.

Athena Diagnostics
Classification: Pathogenic. Last evaluated: 2023-10-16. Review status: criteria provided, single submitter. Criteria: Athena Diagnostics Criteria. Collection method: clinical testing. Allele origin: unknown.
Comment: The frequency of this variant in the general population is consistent with pathogenicity. In multiple individuals, this variant has been seen with a single recessive pathogenic variant in the same gene, suggesting this variant may also be pathogenic. Computational tools yielded predictions that this variant may interfere with normal RNA splicing.

Kariminejad - Najmabadi Pathology & Genetics Center
Classification: Likely pathogenic for Abnormality of the musculature. Last evaluated: 2021-07-10. Review status: criteria provided, single submitter. Criteria: ACMG Guidelines, 2015. Collection method: clinical testing. Allele origin: germline. Affected: yes.

Literature cited by the submitters: PubMed 28427807 (cited by 3 submitters); PubMed 17576681 (cited by Labcorp Genetics (formerly Invitae), Labcorp); PubMed 9536098 (cited by Labcorp Genetics (formerly Invitae), Labcorp); PubMed 29606556 (cited by Women's Health and Genetics/Laboratory Corporation of America, LabCorp and Athena Diagnostics); PubMed 33573884 (cited by Athena Diagnostics); PubMed 37355912 (cited by Athena Diagnostics); PubMed 28325641 (cited by Athena Diagnostics).